The following is an entry in ClinVar:

NM_000179.3(MSH6):c.447G>C (p.Lys149Asn)

Gene: MSH6 (mutS homolog 6; plus strand). Cytogenetic location: 2p16.3.
Variant type: single nucleotide variant.
Coding change: c.447G>C on transcript NM_000179.3 (MANE Select); coding-DNA position 447, G replaced by C.
Protein change: p.Lys149Asn; replaces lysine 149 with asparagine.
Molecular consequence: missense variant. On other transcripts: 5 prime UTR variant (2), intron variant (1).
Genome position (GRCh38, 1-based): chr2:47,791,113, G>C. VCF-style: chr2-47791113-G-C. GRCh37 (hg19) VCF-style: chr2-48018252-G-C.
Other names: c.-290G>C (NM_001281493.2); c.-456G>C (NM_001281494.2); c.238-7498G>C (NM_001281492.2); short protein forms K149N.
Identifiers: ClinVar variation 455323 (VCV000455323.12), dbSNP rs1553410379, ClinGen allele CA346737193.
Genomic context (GRCh38, chr2:47,791,113, plus strand): 5'-TCATGTACAGTTTTTTGATGACAGCCCAACAAGGGGCTGGGTTAGCAAAAGGCTTTTAAA[G>C]CCATATACAGGTAAGAGTCACTACTGCCATGTGTGTGTGTTTGTGTGTGTGTGTGTGTGT-3'
Protein context (NP_000170.1, residues 139-159): TRGWVSKRLL[Lys149Asn]PYTGSKSKEA

ClinVar aggregate classification (germline): Uncertain significance. Review status: criteria provided, multiple submitters, no conflicts (2 of 4 stars). 2 submissions from 2 submitters: Uncertain significance (2). Last evaluated 2025-11-25.

Conditions:
Hereditary nonpolyposis colorectal neoplasms. Identifiers: MedGen C0009405, MeSH D003123.
Hereditary cancer-predisposing syndrome. Also called: Hereditary Cancer Syndrome; Hereditary neoplastic syndrome; Neoplastic Syndromes, Hereditary; Tumor predisposition. Identifiers: Orphanet 140162, MedGen C0027672, MeSH D009386, MONDO:0015356.

Allele frequency attached by ClinVar (database versions not stated): gnomAD exomes 0.00001.
gnomAD v4.1: 9 of 1,614,056 alleles (0.00056%); highest among the groups gnomAD compares: Non-Finnish European, 0.00076%; no homozygotes.

Submissions (2):

Ambry Genetics
Classification: Uncertain significance for Hereditary cancer-predisposing syndrome. Last evaluated: 2025-11-25. Review status: criteria provided, single submitter. Criteria: Ambry Variant Classification Scheme 2023. Collection method: clinical testing. Allele origin: germline.
Comment: The p.K149N variant (also known as c.447G>C), located in coding exon 2 of the MSH6 gene, results from a G to C substitution at nucleotide position 447. The lysine at codon 149 is replaced by asparagine, an amino acid with similar properties. This amino acid position is not well conserved in available vertebrate species. In addition, this alteration is predicted to be tolerated by in silico analysis. Based on the available evidence, the clinical significance of this variant remains unclear.

Labcorp Genetics (formerly Invitae), Labcorp
Classification: Uncertain significance for Hereditary nonpolyposis colorectal neoplasms. Last evaluated: 2025-08-25. Review status: criteria provided, single submitter. Criteria: Invitae Variant Classification Sherloc (09022015). Collection method: clinical testing. Allele origin: germline.
Comment: This sequence change replaces lysine, which is basic and polar, with asparagine, which is neutral and polar, at codon 149 of the MSH6 protein (p.Lys149Asn). This variant is not present in population databases (gnomAD no frequency). This variant has not been reported in the literature in individuals affected with MSH6-related conditions. ClinVar contains an entry for this variant (Variation ID: 455323). Invitae Evidence Modeling of protein sequence and biophysical properties (such as structural, functional, and spatial information, amino acid conservation, physicochemical variation, residue mobility, and thermodynamic stability) indicates that this missense variant is not expected to disrupt MSH6 protein function with a negative predictive value of 95%. In summary, the available evidence is currently insufficient to determine the role of this variant in disease. Therefore, it has been classified as a Variant of Uncertain Significance.